The following is an entry in ClinVar:

NM_001365951.3(KIF1B):c.1263A>G (p.Leu421=)

Gene: KIF1B (kinesin family member 1B; plus strand). Cytogenetic location: 1p36.22.
Variant type: single nucleotide variant.
Coding change: c.1263A>G on transcript NM_001365951.3 (MANE Select); coding-DNA position 1263, A replaced by G.
Protein change: p.Leu421=; no amino-acid change (leucine 421 retained).
Molecular consequence: synonymous variant. On other transcripts: intron variant (3).
Genome position (GRCh38, 1-based): chr1:10,282,362, A>G. VCF-style: chr1-10282362-A-G. GRCh37 (hg19) VCF-style: chr1-10342420-A-G.
Other names: c.1263A>G, p.Leu421= (NM_001365952.1); c.1163-38A>G (NM_183416.4, NM_015074.3, NM_001365953.1); c.1263A>G (NM_001365951.1).
Identifiers: ClinVar variation 2638198 (VCV002638198.25), dbSNP rs200557182, ClinGen allele CA580927.

ClinVar aggregate classification (germline): Likely benign. Review status: criteria provided, single submitter (1 of 4 stars). 2 submissions from 2 submitters: Likely benign (1). 1 of the submissions does not count toward it. Last evaluated 2022-03-01.

Conditions:
KIF1B-related disorder. Also called: KIF1B-related condition.

Allele frequency attached by ClinVar (database versions not stated): gnomAD exomes 0.00003; ExAC 0.00010; gnomAD 0.00017; TOPMed 0.00033; 1000 Genomes Project 30x 0.00047; 1000 Genomes Project 0.00060.
gnomAD v4.1: 81 of 1,614,130 alleles (0.005%); highest among the groups gnomAD compares: Admixed American, 0.047%; no homozygotes.

Submissions (2):

CeGaT Center for Human Genetics Tuebingen
Classification: Likely benign. Last evaluated: 2022-03-01. Review status: criteria provided, single submitter. Criteria: CeGaT Center For Human Genetics Tuebingen Variant Classification Criteria Version 2. Collection method: clinical testing. Allele origin: germline. Affected: yes. Observed: 1 variant allele.
Comment: KIF1B: BS1

PreventionGenetics, part of Exact Sciences
Classification: Likely benign for KIF1B-related condition. Last evaluated: 2021-10-20. Review status: no assertion criteria provided. Collection method: clinical testing. Allele origin: germline. Not counted in ClinVar's aggregate classification.
Comment: This variant is classified as likely benign based on ACMG/AMP sequence variant interpretation guidelines (Richards et al. 2015 PMID: 25741868, with internal and published modifications).